The following is an entry in ClinVar:

ClinVar aggregate classification (germline): Likely benign (1 of 4 stars; one submission).

gnomAD v4.1: 1 of 1,603,780 alleles (0.000062%); highest among the groups gnomAD compares: Non-Finnish European, 0.000085%; no homozygotes.

Submission:

CeGaT Center for Human Genetics Tuebingen
Classification: Likely benign. Last evaluated: 2026-01-01. Review status: criteria provided, single submitter. Criteria: CeGaT Center For Human Genetics Tuebingen Variant Classification Criteria Version 2. Collection method: clinical testing. Allele origin: germline. Affected: yes. Observed: 1 variant allele.
Comment: CDK10: BP4, BP7

NM_052988.5(CDK10):c.993G>A (p.Glu331=)

Gene: CDK10 (cyclin dependent kinase 10; plus strand). Cytogenetic location: 16q24.3.
Variant type: single nucleotide variant.
Coding change: c.993G>A on transcript NM_052988.5 (MANE Select); coding-DNA position 993, G replaced by A.
Protein change: p.Glu331=; no amino-acid change (glutamic acid 331 retained).
Molecular consequence: synonymous variant. On other transcripts: non-coding transcript variant (1), intron variant (1).
Genome position (GRCh38, 1-based): chr16:89,695,602, G>A. VCF-style: chr16-89695602-G-A. GRCh37 (hg19) VCF-style: chr16-89762010-G-A.
Other names: c.762G>A, p.Glu254= (NM_001098533.3); c.780G>A, p.Glu260= (NM_001160367.2); c.773-127G>A (NM_052987.4).
Identifiers: ClinVar variation 4822991 (VCV004822991.4).
Genomic context (GRCh38, chr16:89,695,602, plus strand): 5'-CTCCTCCTATCTGGGGCCCTGCCCCGCCCAGCACTGAACCCTTCTCCCTGCAGCCTGTGA[G>A]CCGGAGCTCATGCCGACCTTTCCCCACCACCGCAACAAGCGGGCCGCCCCAGCCACCTCC-3'
Protein context (NP_443714.3, residues 321-341): SYFKEKPLPC[Glu331=]PELMPTFPHH